The following is an entry in ClinVar:

ClinVar aggregate classification (germline): Likely pathogenic. Review status: criteria provided, multiple submitters, no conflicts (2 of 4 stars). 7 submissions from 7 submitters: Likely pathogenic (5). 2 of the submissions do not count toward it. Last evaluated 2025-07-14.

Conditions:
Inborn genetic diseases. Identifiers: MedGen C0950123, MeSH D030342.
Multiple congenital anomalies-hypotonia-seizures syndrome 1 (MCAHS1). Also called: GLYCOSYLPHOSPHATIDYLINOSITOL BIOSYNTHESIS DEFECT 3; PIGN-CDG; Congenital disorder of glycosylation due to PIGN deficiency. Identifiers: Orphanet 280633, MedGen C3279775, MONDO:0013563, OMIM 614080.
PIGN-related disorder. Also called: PIGN-related condition.

Allele frequency attached by ClinVar (database versions not stated): TOPMed 0.00003; ExAC 0.00004; gnomAD 0.00004 and 0.00006; gnomAD exomes 0.00006.
gnomAD v4.1: 88 of 1,557,242 alleles (0.0057%); highest among the groups gnomAD compares: East Asian, 0.0071%; no homozygotes.

Submissions (7):

Ambry Genetics
Classification: Likely pathogenic for Inborn genetic diseases. Last evaluated: 2025-07-14. Review status: criteria provided, single submitter. Criteria: Ambry Variant Classification Scheme 2023. Collection method: clinical testing. Allele origin: germline.
Comment: The p.R785H variant (also known as c.2354G>A), located in coding exon 22 of the PIGN gene, results from a G to A substitution at nucleotide position 2354. The arginine at codon 785 is replaced by histidine, an amino acid with highly similar properties. This variant has been identified in conjunction with other PIGN variants in individuals with features consistent with PIGN-related glycosylphosphatidylinositol deficiency; in at least one instance, the variants were identified in trans (Brunet T et al. Clin Genet, 2021 Jul;100:14-28; Bayat A et al. Epilepsia, 2022 Apr;63:974-991; Sidpra J et al. Brain, 2024 Aug;147:2775-2790). This amino acid position is highly conserved in available vertebrate species. In addition, this alteration is predicted to be deleterious by in silico analysis. Based on data from gnomAD, the A allele has an overall frequency of 0.006% (13/211866) total alleles studied. The highest observed frequency was 0.014% (2/14508) of East Asian alleles. Based on the majority of available evidence to date, this variant is likely to be pathogenic.

PreventionGenetics, part of Exact Sciences
Classification: Likely pathogenic for PIGN-related condition. Last evaluated: 2025-01-10. Review status: criteria provided, single submitter. Criteria: ACMG Guidelines, 2015. Collection method: clinical testing. Allele origin: germline.
Comment: The PIGN c.2354G>A variant is predicted to result in the amino acid substitution p.Arg785His. This variant has been reported in the compound heterozygous state in individual(s) with multiple congenital anomalies-hypotonia-seizures syndrome (Brunet et al. 2021. PubMed ID: 33619735; Bayat et al. 2022. PubMed ID: 35179230). This variant is reported in 0.014% of alleles in individuals of East Asian descent in gnomAD. This variant is interpreted as likely pathogenic.

Labcorp Genetics (formerly Invitae), Labcorp
Classification: Likely pathogenic for Multiple congenital anomalies-hypotonia-seizures syndrome 1. Last evaluated: 2025-01-02. Review status: criteria provided, single submitter. Criteria: Invitae Variant Classification Sherloc (09022015). Collection method: clinical testing. Allele origin: germline.
Comment: This sequence change replaces arginine, which is basic and polar, with histidine, which is basic and polar, at codon 785 of the PIGN protein (p.Arg785His). The frequency data for this variant in the population databases is considered unreliable, as metrics indicate poor data quality at this position in the gnomAD database. This missense change has been observed in individual(s) with clinical features of PIGN-congenital disorder of glycosylation (PMID: 33619735, 35179230; internal data). In at least one individual the data is consistent with being in trans (on the opposite chromosome) from a pathogenic variant. ClinVar contains an entry for this variant (Variation ID: 378363). Invitae Evidence Modeling of protein sequence and biophysical properties (such as structural, functional, and spatial information, amino acid conservation, physicochemical variation, residue mobility, and thermodynamic stability) indicates that this missense variant is expected to disrupt PIGN protein function with a positive predictive value of 80%. This variant disrupts the p.Arg785 amino acid residue in PIGN. Other variant(s) that disrupt this residue have been observed in individuals with PIGN-related conditions (internal data), which suggests that this may be a clinically significant amino acid residue. In summary, the currently available evidence indicates that the variant is pathogenic, but additional data are needed to prove that conclusively. Therefore, this variant has been classified as Likely Pathogenic.

GeneDx
Classification: Likely pathogenic. Last evaluated: 2021-12-03. Review status: criteria provided, single submitter. Criteria: GeneDx Variant Classification Process June 2021. Collection method: clinical testing. Allele origin: germline. Affected: yes.
Comment: Not observed at significant frequency in large population cohorts (Lek et al., 2016); In silico analysis supports that this missense variant has a deleterious effect on protein structure/function; This variant is associated with the following publications: (PMID: 33619735)

Institute of Human Genetics Munich, TUM University Hospital
Classification: Likely pathogenic for Multiple congenital anomalies-hypotonia-seizures syndrome 1. Last evaluated: 2020-08-31. Review status: criteria provided, single submitter. Criteria: Classification criteria August 2017. Collection method: clinical testing. Allele origin: paternal. Inheritance: Autosomal recessive inheritance. Affected: yes. Observed: 1 variant allele.

Clinical Genetics DNA and cytogenetics Diagnostics Lab, Erasmus MC, Erasmus Medical Center
Classification: Uncertain significance. Review status: flagged submission. Collection method: clinical testing. Allele origin: germline. Affected: yes. Study: VKGL Data-share Consensus. Not counted in ClinVar's aggregate classification.
ClinVar note: Reason: Outlier claim with insufficient supporting evidence

Genome Diagnostics Laboratory, Amsterdam University Medical Center
Classification: Uncertain significance. Review status: flagged submission. Collection method: clinical testing. Allele origin: germline. Affected: yes. Study: VKGL Data-share Consensus. Not counted in ClinVar's aggregate classification.
ClinVar note: Reason: Outlier claim with insufficient supporting evidence

Literature cited by the submitters: PubMed 33619735 (cited by Ambry Genetics and Labcorp Genetics (formerly Invitae), Labcorp); PubMed 35179230 (cited by Ambry Genetics and Labcorp Genetics (formerly Invitae), Labcorp); PubMed 38456468 (cited by Ambry Genetics).

NM_176787.5(PIGN):c.2354G>A (p.Arg785His)

Gene: PIGN (phosphatidylinositol glycan anchor biosynthesis class N; minus strand). Cytogenetic location: 18q21.33.
Variant type: single nucleotide variant.
Coding change: c.2354G>A on transcript NM_176787.5 (MANE Select); coding-DNA position 2354, G replaced by A.
Protein change: p.Arg785His; replaces arginine 785 with histidine.
Molecular consequence: missense variant.
Genome position (GRCh38, 1-based): chr18:62,088,772, C>T on the plus strand (G>A on the coding strand, the complement: PIGN is on the minus strand). VCF-style: chr18-62088772-C-T. GRCh37 (hg19) VCF-style: chr18-59756005-C-T.
Other names: c.2354G>A, p.Arg785His (NM_012327.6); short protein forms R785H.
Identifiers: ClinVar variation 378363 (VCV000378363.18), dbSNP rs535563062, ClinGen allele CA8982006.
Genomic context (GRCh38, chr18:62,088,772, plus strand): 5'-GTGGGAGTTGCAGCTCTTTAAACCAAAGTCTCCACAAAGGATACAAGGAAAAAGGCCCTA[C>T]GGATGTCATCCAGATATAGCTGTCGAAACTGAGTTATATCAGTATTATAAGAGAACTGGA-3'
Protein context (NP_789744.1, residues 775-795): QFRQLYLDDI[Arg785His]RAFFLVFFLV